The following is an entry in ClinVar:

ClinVar aggregate classification (germline): Uncertain significance (1 of 4 stars; one submission).

Conditions:
Hereditary cancer-predisposing syndrome. Also called: Neoplastic Syndromes, Hereditary; Tumor predisposition; Hereditary Cancer Syndrome; Hereditary neoplastic syndrome. Identifiers: Orphanet 140162, MedGen C0027672, MeSH D009386, MONDO:0015356.

Submission:

Ambry Genetics
Classification: Uncertain significance for Hereditary cancer-predisposing syndrome. Last evaluated: 2025-06-24. Review status: criteria provided, single submitter. Criteria: Ambry Variant Classification Scheme 2023. Collection method: clinical testing. Allele origin: germline.
Comment: The p.D1630Y variant (also known as c.4888G>T), located in coding exon 31 of the ATM gene, results from a G to T substitution at nucleotide position 4888. The aspartic acid at codon 1630 is replaced by tyrosine, an amino acid with highly dissimilar properties. This amino acid position is well conserved in available vertebrate species. In addition, this alteration is predicted to be tolerated by in silico analysis. Based on the available evidence, the clinical significance of this variant remains unclear.

NM_000051.4(ATM):c.4888G>T (p.Asp1630Tyr)

Gene: ATM (ATM serine/threonine kinase; plus strand). Cytogenetic location: 11q22.3.
Variant type: single nucleotide variant.
Coding change: c.4888G>T on transcript NM_000051.4 (MANE Select); coding-DNA position 4888, G replaced by T.
Protein change: p.Asp1630Tyr; replaces aspartic acid 1630 with tyrosine.
Molecular consequence: missense variant.
Genome position (GRCh38, 1-based): chr11:108,295,038, G>T. VCF-style: chr11-108295038-G-T. GRCh37 (hg19) VCF-style: chr11-108165765-G-T.
Other names: c.4888G>T, p.Asp1630Tyr (NM_001351834.2); short protein forms D1630Y.
Identifiers: ClinVar variation 4168568 (VCV004168568.1).